The following is an entry in ClinVar:

ClinVar aggregate classification (germline): Benign/Likely benign. Review status: criteria provided, multiple submitters, no conflicts (2 of 4 stars). 5 submissions from 5 submitters: Benign (2); Likely benign (3). Last evaluated 2026-01-27.

Allele frequency attached by ClinVar (database versions not stated): gnomAD exomes 0.00030 and 0.00075; ExAC 0.00089; ESP Exome Variant Server 0.00238; gnomAD 0.00244 and 0.00254; TOPMed 0.00266; 1000 Genomes Project 30x 0.00437; 1000 Genomes Project 0.00439.
gnomAD v4.1: 858 of 1,613,982 alleles (0.053%); highest among the groups gnomAD compares: African/African-American, 0.94%; 7 homozygotes.

Submissions (5):

Labcorp Genetics (formerly Invitae), Labcorp
Classification: Benign. Last evaluated: 2026-01-27. Review status: criteria provided, single submitter. Criteria: Invitae Variant Classification Sherloc (09022015). Collection method: clinical testing. Allele origin: germline.

Genomic Medicine Center of Excellence, King Faisal Specialist Hospital and Research Centre
Classification: Likely benign. Last evaluated: 2025-08-18. Review status: criteria provided, single submitter. Criteria: ACMG Guidelines, 2015. Collection method: clinical testing. Allele origin: germline.

CeGaT Center for Human Genetics Tuebingen
Classification: Likely benign. Last evaluated: 2025-02-01. Review status: criteria provided, single submitter. Criteria: CeGaT Center For Human Genetics Tuebingen Variant Classification Criteria Version 2. Collection method: clinical testing. Allele origin: germline. Affected: yes. Observed: 2 variant alleles.
Comment: KRT16: BP4, BS1

Blueprint Genetics
Classification: Likely benign. Last evaluated: 2024-11-11. Review status: criteria provided, single submitter. Criteria: ACMG Guidelines, 2015. Collection method: clinical testing. Allele origin: germline.

Breakthrough Genomics
Classification: Benign. Review status: criteria provided, single submitter. Criteria: ACMG Guidelines, 2015. Collection method: not provided. Allele origin: germline. Inheritance: Autosomal dominant inheritance. Affected: yes.

NM_005557.4(KRT16):c.916A>G (p.Thr306Ala)

Gene: KRT16 (keratin 16; minus strand). Cytogenetic location: 17q21.2.
Variant type: single nucleotide variant.
Coding change: c.916A>G on transcript NM_005557.4 (MANE Select); coding-DNA position 916, A replaced by G.
Protein change: p.Thr306Ala; replaces threonine 306 with alanine.
Molecular consequence: missense variant.
Genome position (GRCh38, 1-based): chr17:41,611,086, T>C on the plus strand (A>G on the coding strand, the complement: KRT16 is on the minus strand). VCF-style: chr17-41611086-T-C. GRCh37 (hg19) VCF-style: chr17-39767338-T-C.
Other names: short protein forms T306A.
Identifiers: ClinVar variation 778710 (VCV000778710.36), dbSNP rs112891689, ClinGen allele CA8563073.